The following is an entry in ClinVar:

NM_001035.3(RYR2):c.10679A>T (p.His3560Leu)

Gene: RYR2 (ryanodine receptor 2; plus strand). Cytogenetic location: 1q43.
Variant type: single nucleotide variant.
Coding change: c.10679A>T on transcript NM_001035.3 (MANE Select); coding-DNA position 10679, A replaced by T.
Protein change: p.His3560Leu; replaces histidine 3560 with leucine.
Molecular consequence: missense variant.
Genome position (GRCh38, 1-based): chr1:237,723,252, A>T. VCF-style: chr1-237723252-A-T. GRCh37 (hg19) VCF-style: chr1-237886552-A-T.
Other names: short protein forms H3560L.
Identifiers: ClinVar variation 2774378 (VCV002774378.2), dbSNP rs2547479737, ClinGen allele CA345416240.

ClinVar aggregate classification (germline): Uncertain significance (1 of 4 stars; one submission).

Conditions:
Cardiomyopathy (CMYO). Also called: Cardiomyopathies. Identifiers: Orphanet 167848, MedGen C0878544, MONDO:0004994, HP:0001638. Inheritance: Various modes of inheritance.

Submission:

Color Diagnostics, LLC DBA Color Health
Classification: Uncertain significance for Cardiomyopathy. Last evaluated: 2024-03-07. Review status: criteria provided, single submitter. Criteria: ACMG Guidelines, 2015. Collection method: clinical testing. Allele origin: germline.
Comment: This missense variant replaces histidine with leucine at codon 3560 of the RYR2 protein. Computational prediction suggests that this variant may have deleterious impact on protein structure and function (internally defined REVEL score threshold >= 0.7, PMID: 27666373). To our knowledge, functional studies have not been reported for this variant. This variant has not been reported in individuals affected with cardiovascular disorders in the literature. This variant has not been identified in the general population by the Genome Aggregation Database (gnomAD). The available evidence is insufficient to determine the role of this variant in disease conclusively. Therefore, this variant is classified as a Variant of Uncertain Significance.